The following is an entry in ClinVar:

NM_015295.3(SMCHD1):c.3035G>T (p.Arg1012Ile)

Gene: SMCHD1 (structural maintenance of chromosomes flexible hinge domain containing 1; plus strand). Cytogenetic location: 18p11.32.
Variant type: single nucleotide variant.
Coding change: c.3035G>T on transcript NM_015295.3 (MANE Select); coding-DNA position 3035, G replaced by T.
Protein change: p.Arg1012Ile; replaces arginine 1012 with isoleucine.
Molecular consequence: missense variant.
Genome position (GRCh38, 1-based): chr18:2,729,396, G>T. VCF-style: chr18-2729396-G-T. GRCh37 (hg19) VCF-style: chr18-2729394-G-T.
Other names: short protein forms R1012I.
Identifiers: ClinVar variation 2695254 (VCV002695254.3), dbSNP rs868502855, ClinGen allele CA295468745.

ClinVar aggregate classification (germline): Uncertain significance (1 of 4 stars; one submission).

Conditions:
Facioscapulohumeral muscular dystrophy 2 (FSHD2). Also called: MUSCULAR DYSTROPHY, FACIOSCAPULOHUMERAL, TYPE 1B; FACIOSCAPULOHUMERAL MUSCULAR DYSTROPHY 2, DIGENIC; FSHD2, DIGENIC. Identifiers: Orphanet 269, MedGen C1834671, MONDO:0008031, OMIM 158901.

Allele frequency attached by ClinVar (database versions not stated): TOPMed below 0.00001; gnomAD 0.00001.

Submission:

Labcorp Genetics (formerly Invitae), Labcorp
Classification: Uncertain significance for Facioscapulohumeral muscular dystrophy 2. Last evaluated: 2023-11-19. Review status: criteria provided, single submitter. Criteria: Invitae Variant Classification Sherloc (09022015). Collection method: clinical testing. Allele origin: germline.
Comment: This sequence change replaces arginine, which is basic and polar, with isoleucine, which is neutral and non-polar, at codon 1012 of the SMCHD1 protein (p.Arg1012Ile). This variant is not present in population databases (gnomAD no frequency). This variant has not been reported in the literature in individuals affected with SMCHD1-related conditions. Advanced modeling of protein sequence and biophysical properties (such as structural, functional, and spatial information, amino acid conservation, physicochemical variation, residue mobility, and thermodynamic stability) performed at Invitae indicates that this missense variant is not expected to disrupt SMCHD1 protein function with a negative predictive value of 80%. In summary, the available evidence is currently insufficient to determine the role of this variant in disease. Therefore, it has been classified as a Variant of Uncertain Significance.